The following is an entry in ClinVar:

NM_001040142.2(SCN2A):c.4633A>G (p.Met1545Val)

Gene: SCN2A (sodium voltage-gated channel alpha subunit 2; plus strand). Cytogenetic location: 2q24.3.
Variant type: single nucleotide variant.
Coding change: c.4633A>G on transcript NM_001040142.2 (MANE Select); coding-DNA position 4633, A replaced by G.
Protein change: p.Met1545Val; replaces methionine 1545 with valine.
Molecular consequence: missense variant.
Genome position (GRCh38, 1-based): chr2:165,386,827, A>G. VCF-style: chr2-165386827-A-G. GRCh37 (hg19) VCF-style: chr2-166243337-A-G.
Other names: p.M1545V:ATG>GTG; c.4633A>G, p.Met1545Val (NM_001040143.2, NM_001371246.1, NM_001371247.1 and 1 more transcripts); short protein forms M1545V.
Identifiers: ClinVar variation 207012 (VCV000207012.11), dbSNP rs796053150, ClinGen allele CA317997.

ClinVar aggregate classification (germline): Pathogenic. Review status: criteria provided, multiple submitters, no conflicts (2 of 4 stars). 4 submissions from 4 submitters: Pathogenic (4). Last evaluated 2024-11-14.

Conditions:
SCN2A-related disorder. Also called: SCN2A-related disorders; SCN2A-related condition. Identifiers: MedGen CN382226, MONDO:1060245.
Developmental and epileptic encephalopathy, 11 (DEE11). Also called: Early infantile epileptic encephalopathy 11. Identifiers: Orphanet 1934, MedGen C3150987, MONDO:0013388, OMIM 613721.
Seizures, benign familial infantile, 3 (BFIS3). Also called: CONVULSIONS, BENIGN FAMILIAL INFANTILE, 3; Familial neonatal seizures. Identifiers: Orphanet 140927, Orphanet 306, MedGen C1843140, MONDO:0011904, OMIM 607745.

Submissions (4):

Blueprint Genetics
Classification: Pathogenic for SCN2A-related disorders. Last evaluated: 2024-11-14. Review status: criteria provided, single submitter. Criteria: ACMG Guidelines, 2015. Collection method: clinical testing. Allele origin: germline. Affected: yes. Observed: 1 variant allele.

Labcorp Genetics (formerly Invitae), Labcorp
Classification: Pathogenic for Seizures, benign familial infantile, 3; Developmental and epileptic encephalopathy, 11. Last evaluated: 2024-09-30. Review status: criteria provided, single submitter. Criteria: Invitae Variant Classification Sherloc (09022015). Collection method: clinical testing. Allele origin: germline.
Comment: This sequence change replaces methionine, which is neutral and non-polar, with valine, which is neutral and non-polar, at codon 1545 of the SCN2A protein (p.Met1545Val). This variant is not present in population databases (gnomAD no frequency). This missense change has been observed in individual(s) with clinical features of SCN2A-related conditions (PMID: 27734276, 28379373, 28817111). In at least one individual the variant was observed to be de novo. ClinVar contains an entry for this variant (Variation ID: 207012). Invitae Evidence Modeling of protein sequence and biophysical properties (such as structural, functional, and spatial information, amino acid conservation, physicochemical variation, residue mobility, and thermodynamic stability) indicates that this missense variant is expected to disrupt SCN2A protein function with a positive predictive value of 95%. For these reasons, this variant has been classified as Pathogenic.

Institute of Medical Genetics and Applied Genomics, University Hospital Tübingen
Classification: Pathogenic. Last evaluated: 2020-10-23. Review status: criteria provided, single submitter. Criteria: ACMG Guidelines, 2015. Collection method: clinical testing. Allele origin: germline. Inheritance: Autosomal dominant inheritance. Affected: yes.

GeneDx
Classification: Pathogenic. Last evaluated: 2020-06-19. Review status: criteria provided, single submitter. Criteria: GeneDx Variant Classification Process June 2021. Collection method: clinical testing. Allele origin: germline. Affected: yes.
Comment: This substitution is predicted to be within the transmembrane segment S1 of the fourth homologous domain; Missense variants in this gene are often considered pathogenic (Stenson et al., 2014); In silico analysis supports that this missense variant has a deleterious effect on protein structure/function; Not observed in large population cohorts (Lek et al., 2016); This variant is associated with the following publications: (PMID: 28379373, 27876397, 27734276, 28817111, 30619928, 32090326, 32603808)

Literature cited by the submitters: PubMed 27734276 (cited by Labcorp Genetics (formerly Invitae), Labcorp); PubMed 28379373 (cited by Labcorp Genetics (formerly Invitae), Labcorp); PubMed 28817111 (cited by Labcorp Genetics (formerly Invitae), Labcorp).